The following is an entry in ClinVar:

NM_001267550.2(TTN):c.47402C>T (p.Thr15801Ile)

Genes: TTN-AS1 (TTN antisense RNA 1; plus strand), TTN (titin; minus strand). Cytogenetic location: 2q31.2.
Variant type: single nucleotide variant.
Coding change: c.47402C>T on transcript NM_001267550.2 (MANE Select); coding-DNA position 47402, C replaced by T.
Protein change: p.Thr15801Ile; replaces threonine 15801 with isoleucine.
Molecular consequence: missense variant.
Genome position (GRCh38, 1-based): chr2:178,617,949, G>A on the plus strand (C>T on the coding strand, the complement: TTN is on the minus strand). VCF-style: chr2-178617949-G-A. GRCh37 (hg19) VCF-style: chr2-179482676-G-A.
Other names: c.42479C>T, p.Thr14160Ile (NM_001256850.1); c.20207C>T, p.Thr6736Ile (NM_003319.4); c.39698C>T, p.Thr13233Ile (NM_133378.4); c.20582C>T, p.Thr6861Ile (NM_133432.3); c.20783C>T, p.Thr6928Ile (NM_133437.4); short protein forms T15801I, T13233I, T6928I, T14160I, T6861I, T6736I.
Identifiers: ClinVar variation 332855 (VCV000332855.7), dbSNP rs148808516, ClinGen allele CA1995050.

ClinVar aggregate classification (germline): Conflicting classifications of pathogenicity. Review status: criteria provided, conflicting classifications (1 of 4 stars). 7 submissions from 3 submitters: Uncertain significance (4); Likely benign (3). Last evaluated 2026-03-27.

Conditions:
Early-onset myopathy with fatal cardiomyopathy (CMYO5). Also called: Salih Myopathy; CONGENITAL MYOPATHY 5 WITH CARDIOMYOPATHY. Identifiers: Orphanet 289377, MedGen C2673677, MONDO:0012714, OMIM 611705. Disease mechanism: loss of function.
Myopathy, myofibrillar, 9, with early respiratory failure (MFM9). Also called: MYOPATHY, PROXIMAL, WITH EARLY RESPIRATORY MUSCLE INVOLVEMENT; Hereditary myopathy with early respiratory failure; Myopathy, distal, with early respiratory failure, autosomal dominant; EDSTROM MYOPATHY. Identifiers: Orphanet 178464, Orphanet 34521, MedGen C1863599, MONDO:0011362, OMIM 603689.
Dilated cardiomyopathy 1G (CMD1G). Identifiers: Orphanet 154, MedGen C1858763, MONDO:0011400, OMIM 604145.
Autosomal recessive limb-girdle muscular dystrophy type 2J (LGMDR10). Also called: Limb-girdle muscular dystrophy, type 2J; MUSCULAR DYSTROPHY, LIMB-GIRDLE, AUTOSOMAL RECESSIVE 10. Identifiers: Orphanet 140922, MedGen C1837342, MONDO:0012127, OMIM 608807.
Tibial muscular dystrophy (TMD). Also called: UDD MYOPATHY; Tibial muscular dystrophy, tardive; Udd Distal Myopathy – Tibial Muscular Dystrophy. Identifiers: Orphanet 609, MedGen C1838244, MONDO:0010870, OMIM 600334.
TTN-related disorder. Also called: TTN-related disorders; TTN-related condition; TTN-related disease.

Allele frequency attached by ClinVar (database versions not stated): gnomAD 0.00001 and 0.00005; gnomAD exomes 0.00001 and 0.00004; TOPMed 0.00002; ExAC 0.00007; 1000 Genomes Project 30x 0.00078; 1000 Genomes Project 0.00100.
gnomAD v4.1: 21 of 1,612,666 alleles (0.0013%); highest among the groups gnomAD compares: African/African-American, 0.0093%; no homozygotes.

Submissions (7):

Molecular Diagnostic Laboratory for Inherited Cardiovascular Disease, Montreal Heart Institute
Classification: Likely benign. Last evaluated: 2026-03-27. Review status: criteria provided, single submitter. Criteria: ACMG Guidelines, 2015. Collection method: clinical testing. Allele origin: germline. Affected: no.
Comment: BP1

PreventionGenetics, part of Exact Sciences
Classification: Uncertain significance for TTN-related condition. Last evaluated: 2025-11-11. Review status: criteria provided, single submitter. Criteria: ACMG Guidelines, 2015. Collection method: clinical testing. Allele origin: germline.
Comment: The TTN c.47402C>T variant is predicted to result in the amino acid substitution p.Thr15801Ile. To our knowledge, this variant has not been reported in the literature. This variant is reported in 0.032% of alleles in individuals of African descent in gnomAD. At this time, the clinical significance of this variant is uncertain due to the absence of conclusive functional and genetic evidence.

Illumina Laboratory Services, Illumina
Classification: Likely benign for Myopathy, myofibrillar, 9, with early respiratory failure. Last evaluated: 2018-01-13. Review status: criteria provided, single submitter. Criteria: ICSL Variant Classification Criteria 13 December 2019. Collection method: clinical testing. Allele origin: germline.
Comment: This variant was observed in the ICSL laboratory as part of a predisposition screen in an ostensibly healthy population. It had not been previously curated by ICSL or reported in the Human Gene Mutation Database (HGMD: prior to June 1st, 2018), and was therefore a candidate for classification through an automated scoring system. Utilizing variant allele frequency, disease prevalence and penetrance estimates, and inheritance mode, an automated score was calculated to assess if this variant is too frequent to cause the disease. Based on the score and internal cut-off values, a variant classified as likely benign is not then subjected to further curation. The score for this variant resulted in a classification of likely benign for this disease.

Illumina Laboratory Services, Illumina
Classification: Likely benign for Tibial muscular dystrophy. Last evaluated: 2018-01-13. Review status: criteria provided, single submitter. Criteria: ICSL Variant Classification Criteria 13 December 2019. Collection method: clinical testing. Allele origin: germline.
Comment: the same text as in the submission from Illumina Laboratory Services, Illumina above.

Illumina Laboratory Services, Illumina
Classification: Uncertain significance for Dilated cardiomyopathy 1G. Last evaluated: 2018-01-13. Review status: criteria provided, single submitter. Criteria: ICSL Variant Classification Criteria 13 December 2019. Collection method: clinical testing. Allele origin: germline.

Illumina Laboratory Services, Illumina
Classification: Uncertain significance for Autosomal recessive limb-girdle muscular dystrophy type 2J. Last evaluated: 2018-01-13. Review status: criteria provided, single submitter. Criteria: ICSL Variant Classification Criteria 13 December 2019. Collection method: clinical testing. Allele origin: germline.

Illumina Laboratory Services, Illumina
Classification: Uncertain significance for Early-onset myopathy with fatal cardiomyopathy. Last evaluated: 2018-01-13. Review status: criteria provided, single submitter. Criteria: ICSL Variant Classification Criteria 13 December 2019. Collection method: clinical testing. Allele origin: germline.